The following is an entry in ClinVar:

NM_000057.4(BLM):c.4013del (p.Lys1338fs)

Gene: BLM (BLM RecQ like helicase; plus strand). Cytogenetic location: 15q26.1.
Variant type: Deletion.
Coding change: c.4013del on transcript NM_000057.4 (MANE Select); coding-DNA position 4013, one base deleted (A; older notation c.4013delA).
Protein change: p.Lys1338fs; shifts the reading frame from lysine 1338.
Molecular consequence: frameshift variant.
Genome position (GRCh38, 1-based): chr15:90,811,343, A deleted; the last of 5 consecutive A bases (chr15:90,811,339-90,811,343); deleting any one gives the same sequence. VCF-style (leftmost placement, unchanged base first): chr15-90811338-GA-G. GRCh37 (hg19) VCF-style: chr15-91354568-GA-G.
Other names: c.4013del, p.Lys1338fs (NM_001287246.2); c.3620del, p.Lys1207fs (NM_001287247.2); c.2888del, p.Lys963fs (NM_001287248.2); short protein forms K963fs, K1207fs, K1338fs.
Identifiers: ClinVar variation 3661325 (VCV003661325.2).

ClinVar aggregate classification (germline): Likely pathogenic (1 of 4 stars; one submission).

Conditions:
Bloom syndrome (BLM). Also called: Bloom-Torre-Machacek syndrome. Identifiers: Orphanet 125, MedGen C0005859, MONDO:0008876, OMIM 210900.

Submission:

Labcorp Genetics (formerly Invitae), Labcorp
Classification: Likely pathogenic for Bloom syndrome. Last evaluated: 2024-08-04. Review status: criteria provided, single submitter. Criteria: Invitae Variant Classification Sherloc (09022015). Collection method: clinical testing. Allele origin: germline.
Comment: This sequence change creates a premature translational stop signal (p.Lys1338Argfs*68) in the BLM gene. While this is not anticipated to result in nonsense mediated decay, it is expected to disrupt the last 80 amino acid(s) of the BLM protein. This variant is not present in population databases (gnomAD no frequency). This variant has not been reported in the literature in individuals affected with BLM-related conditions. This variant disrupts the nuclear localization signal (NLS) and the topoisomerase I (TOP1) domain of BLM protein, which are critical for BLM localization to the nucleus and TOP1-mediated RNA:DNA unwinding (PMID: 27657136, 9388480, 10569803). While functional studies have not been performed to directly test the effect of this variant on BLM protein function, this suggests that disruption of this region of the protein is causative of disease. In summary, the currently available evidence indicates that the variant is pathogenic, but additional data are needed to prove that conclusively. Therefore, this variant has been classified as Likely Pathogenic.

Literature cited by the submitters: PubMed 27657136; PubMed 9388480; PubMed 10569803.